The following is an entry in ClinVar:

ClinVar aggregate classification (germline): Uncertain significance (1 of 4 stars; one submission).

gnomAD v4.1: 115 of 1,614,054 alleles (0.0071%); highest among the groups gnomAD compares: Non-Finnish European, 0.009%; no homozygotes.

Submission:

Women's Health and Genetics/Laboratory Corporation of America, LabCorp
Classification: Uncertain significance. Last evaluated: 2025-09-10. Review status: criteria provided, single submitter. Criteria: LabCorp Variant Classification Summary - May 2015. Collection method: clinical testing. Allele origin: germline.
Comment: Variant summary: EIF4G1 c.1352C>A (p.Pro451Gln) results in a non-conservative amino acid change in the encoded protein sequence. Algorithms developed to predict the effect of missense changes on protein structure and function are either unavailable or do not agree on the potential impact of this missense change. The variant allele was found at a frequency of 7.6e-05 in 251374 control chromosomes, predominantly at a frequency of 0.00013 within the Non-Finnish European subpopulation in the gnomAD database. This frequency is not significantly higher than estimated for disease-causing variants in EIF4G1, allowing no conclusion about variant significance. To our knowledge, no occurrence of c.1352C>A in individuals affected with EIF4G1-related conditions and no experimental evidence demonstrating its impact on protein function have been reported. No submitters have cited clinical-significance assessments for this variant to ClinVar. Based on the evidence outlined above, the variant was classified as uncertain significance.

NM_198241.3(EIF4G1):c.1352C>A (p.Pro451Gln)

Gene: EIF4G1 (eukaryotic translation initiation factor 4 gamma 1; plus strand). Cytogenetic location: 3q27.1.
Variant type: single nucleotide variant.
Coding change: c.1352C>A on transcript NM_198241.3 (MANE Select); coding-DNA position 1352, C replaced by A.
Protein change: p.Pro451Gln; replaces proline 451 with glutamine.
Molecular consequence: missense variant.
Genome position (GRCh38, 1-based): chr3:184,321,936, C>A. VCF-style: chr3-184321936-C-A. GRCh37 (hg19) VCF-style: chr3-184039724-C-A.
Other names: c.1232C>A, p.Pro411Gln (NM_001291157.2); c.764C>A, p.Pro255Gln (NM_004953.5); c.1352C>A, p.Pro451Gln (NM_182917.4); c.860C>A, p.Pro287Gln (NM_198242.3); c.1091C>A, p.Pro364Gln (NM_198244.3); c.1373C>A, p.Pro458Gln (NM_001194946.2, NM_001194947.2); short protein forms P255Q, P287Q, P364Q, P411Q, P451Q, P458Q.
Identifiers: ClinVar variation 4535617 (VCV004535617.1).
Genomic context (GRCh38, chr3:184,321,936, plus strand): 5'-CAATGGCGCCCCCCACCATCCCCTCTGCTACTCCAGCTACGGCTCCTTCAGCTACTTCCC[C>A]AGCTCAGGAGGAGGAAATGGAAGAAGAAGAAGAAGAGGAAGAAGGAGAAGCAGGAGAAGC-3'
Protein context (NP_937884.2, residues 441-461): TPATAPSATS[Pro451Gln]AQEEEMEEEE